The following is an entry in ClinVar:

ClinVar aggregate classification (germline): Uncertain significance (1 of 4 stars; one submission).

Conditions:
Citrin deficiency. Identifiers: Orphanet 247582, MedGen C1997910, MONDO:0016602.

gnomAD v4.1: 17 of 1,614,020 alleles (0.0011%); highest among the groups gnomAD compares: Non-Finnish European, 0.0014%; no homozygotes.

Submission:

Labcorp Genetics (formerly Invitae), Labcorp
Classification: Uncertain significance for Citrin deficiency. Last evaluated: 2024-04-11. Review status: criteria provided, single submitter. Criteria: Invitae Variant Classification Sherloc (09022015). Collection method: clinical testing. Allele origin: germline.
Comment: This sequence change replaces aspartic acid, which is acidic and polar, with histidine, which is basic and polar, at codon 610 of the SLC25A13 protein (p.Asp610His). This variant is present in population databases (rs751109329, gnomAD 0.01%). This variant has not been reported in the literature in individuals affected with SLC25A13-related conditions. Advanced modeling of protein sequence and biophysical properties (such as structural, functional, and spatial information, amino acid conservation, physicochemical variation, residue mobility, and thermodynamic stability) performed at Invitae indicates that this missense variant is not expected to disrupt SLC25A13 protein function with a negative predictive value of 80%. In summary, the available evidence is currently insufficient to determine the role of this variant in disease. Therefore, it has been classified as a Variant of Uncertain Significance.

NM_014251.3(SLC25A13):c.1828G>C (p.Asp610His)

Gene: SLC25A13 (solute carrier family 25 member 13; minus strand). Cytogenetic location: 7q21.3.
Variant type: single nucleotide variant.
Coding change: c.1828G>C on transcript NM_014251.3 (MANE Select); coding-DNA position 1828, G replaced by C.
Protein change: p.Asp610His; replaces aspartic acid 610 with histidine.
Molecular consequence: missense variant. On other transcripts: non-coding transcript variant (1).
Genome position (GRCh38, 1-based): chr7:96,121,668, C>G on the plus strand (G>C on the coding strand, the complement: SLC25A13 is on the minus strand). VCF-style: chr7-96121668-C-G. GRCh37 (hg19) VCF-style: chr7-95750980-C-G.
Other names: c.1831G>C, p.Asp611His (NM_001160210.2); short protein forms D610H, D611H.
Identifiers: ClinVar variation 3710887 (VCV003710887.2).